The following is an entry in ClinVar:

ClinVar aggregate classification (germline): Conflicting classifications of pathogenicity. Review status: criteria provided, conflicting classifications (1 of 4 stars). 4 submissions from 4 submitters: Uncertain significance (3); Likely benign (1). Last evaluated 2023-02-01.

Conditions:
Juvenile myelomonocytic leukemia (JMML). Also called: LEUKEMIA, JUVENILE MYELOMONOCYTIC, SOMATIC. Identifiers: Orphanet 86834, MedGen C0349639, MONDO:0011908, OMIM 607785, HP:0012209.
CBL-related disorder. Also called: NOONAN SYNDROME-LIKE DISORDER WITHOUT JUVENILE MYELOMONOCYTIC LEUKEMIA; CBL MUTATION-ASSOCIATED SYNDROME; CBL SYNDROME. Identifiers: Orphanet 363972, MedGen C3150803, MONDO:0013308, OMIM 613563.

Allele frequency attached by ClinVar (database versions not stated): TOPMed 0.00069; gnomAD exomes 0.00072; gnomAD 0.00047 and 0.00050.
gnomAD v4.1: 267 of 406,148 alleles (0.066%); highest among the groups gnomAD compares: Middle Eastern, 1.1%; no homozygotes.

Submissions (4):

CeGaT Center for Human Genetics Tuebingen
Classification: Likely benign. Last evaluated: 2023-02-01. Review status: criteria provided, single submitter. Criteria: CeGaT Center For Human Genetics Tuebingen Variant Classification Criteria Version 2. Collection method: clinical testing. Allele origin: germline. Affected: yes. Observed: 4 variant alleles.
Comment: CBL: BS1

Fulgent Genetics
Classification: Uncertain significance for Juvenile myelomonocytic leukemia; CBL-related disorder. Last evaluated: 2021-09-07. Review status: criteria provided, single submitter. Criteria: ACMG Guidelines, 2015. Collection method: clinical testing. Allele origin: unknown.

Illumina Laboratory Services, Illumina
Classification: Uncertain significance for CBL-related disorder. Last evaluated: 2018-01-13. Review status: criteria provided, single submitter. Criteria: ICSL Variant Classification Criteria 13 December 2019. Collection method: clinical testing. Allele origin: germline.

Breakthrough Genomics
Classification: Uncertain significance. Review status: criteria provided, single submitter. Criteria: ACMG Guidelines, 2015. Collection method: not provided. Allele origin: germline. Inheritance: Autosomal dominant inheritance. Affected: yes.

NM_005188.4(CBL):c.*615C>T

Gene: CBL (Cbl proto-oncogene; plus strand). Cytogenetic location: 11q23.3.
Variant type: single nucleotide variant.
Coding change: c.*615C>T on transcript NM_005188.4 (MANE Select); 615 bases downstream of the stop codon, C replaced by T.
Molecular consequence: 3 prime UTR variant.
Genome position (GRCh38, 1-based): chr11:119,300,396, C>T. VCF-style: chr11-119300396-C-T. GRCh37 (hg19) VCF-style: chr11-119171106-C-T.
Identifiers: ClinVar variation 302796 (VCV000302796.31), dbSNP rs769151797, ClinGen allele CA10637841.